The following is an entry in ClinVar:

ClinVar aggregate classification (germline): Uncertain significance (1 of 4 stars; one submission).

Conditions:
Neurofibromatosis, type 2 (SWNV). Also called: BILATERAL ACOUSTIC NEUROFIBROMATOSIS; NF2-Related Schwannomatosis; SCHWANNOMATOSIS, VESTIBULAR. Identifiers: Orphanet 637, MedGen C0027832, MONDO:0007039, OMIM 101000. Disease mechanism: loss of function.

Submission:

All of Us Research Program, National Institutes of Health
Classification: Uncertain significance for Neurofibromatosis, type 2. Last evaluated: 2023-12-13. Review status: criteria provided, single submitter. Criteria: ACMG Guidelines, 2015. Collection method: clinical testing. Allele origin: germline. Inheritance: Autosomal dominant inheritance. Observed: 1 variant allele, 1 heterozygote.
Comment: This missense variant replaces isoleucine with valine at codon 254 of the NF2 protein. Computational prediction suggests that this variant may not impact protein structure and function (internally defined REVEL score threshold <= 0.5, PMID: 27666373). To our knowledge, functional studies have not been reported for this variant. This variant has not been reported in individuals affected with NF2-related disorders in the literature. This variant has not been identified in the general population by the Genome Aggregation Database (gnomAD). The available evidence is insufficient to determine the role of this variant in disease conclusively. Therefore, this variant is classified as a Variant of Uncertain Significance.

This study involves interpretation of variants in research participants for the purpose of population health screening. Participant phenotype was not available at the time of variant classification. Additional details can be found in publication PMID: 35346344, PMCID: PMC8962531

NM_000268.4(NF2):c.760A>G (p.Ile254Val)

Gene: NF2 (NF2, moesin-ezrin-radixin like (MERLIN) tumor suppressor; plus strand). Cytogenetic location: 22q12.2.
Variant type: single nucleotide variant.
Coding change: c.760A>G on transcript NM_000268.4 (MANE Select); coding-DNA position 760, A replaced by G.
Protein change: p.Ile254Val; replaces isoleucine 254 with valine.
Molecular consequence: missense variant. On other transcripts: non-coding transcript variant (1), intron variant (4).
Genome position (GRCh38, 1-based): chr22:29,661,289, A>G. VCF-style: chr22-29661289-A-G. GRCh37 (hg19) VCF-style: chr22-30057278-A-G.
Other names: c.646A>G, p.Ile216Val (NM_001407053.1, NM_001407056.1); c.637A>G, p.Ile213Val (NM_001407054.1, NM_001407058.1, NM_181829.3); c.634A>G, p.Ile212Val (NM_001407055.1, NM_181828.3); c.760A>G, p.Ile254Val (NM_001407060.1, NM_001407066.1, NM_016418.5 and 2 more transcripts); c.511A>G, p.Ile171Val (NM_001407063.1, NM_001407064.1, NM_181830.3 and 1 more transcripts); c.226A>G, p.Ile76Val (NM_001407065.1); c.529A>G, p.Ile177Val (NM_001407067.1); c.675+3025A>G (NM_001407059.1, NM_001407057.1); and 2 more; short protein forms I171V, I177V, I212V, I213V, I216V, I254V, I76V.
Identifiers: ClinVar variation 3074905 (VCV003074905.1), dbSNP rs2147010017, ClinGen allele CA411143925.